The following is an entry in ClinVar:

NM_004789.4(LHX2):c.43A>G (p.Ile15Val)

Gene: LHX2 (LIM homeobox 2; plus strand). Cytogenetic location: 9q33.3.
Variant type: single nucleotide variant.
Coding change: c.43A>G on transcript NM_004789.4 (MANE Select); coding-DNA position 43, A replaced by G.
Protein change: p.Ile15Val; replaces isoleucine 15 with valine.
Molecular consequence: missense variant.
Genome position (GRCh38, 1-based): chr9:124,012,391, A>G. VCF-style: chr9-124012391-A-G. GRCh37 (hg19) VCF-style: chr9-126774670-A-G.
Other names: short protein forms I15V.
Identifiers: ClinVar variation 5018080 (VCV005018080.1).

ClinVar aggregate classification (germline): Uncertain significance (1 of 4 stars; one submission).

gnomAD v4.1: 3 of 1,532,038 alleles (0.0002%); highest among the groups gnomAD compares: Non-Finnish European, 0.00017%; no homozygotes.

Submission:

GeneDx
Classification: Uncertain significance. Last evaluated: 2026-04-03. Review status: criteria provided, single submitter. Criteria: GeneDx Variant Classification Process June 2021. Collection method: clinical testing. Allele origin: germline.
Comment: Not observed at significant frequency in large population cohorts (gnomAD); In silico analysis suggests that this missense variant does not alter protein structure/function; Has not been previously published as pathogenic or benign to our knowledge